The following is an entry in ClinVar:

ClinVar aggregate classification (germline): Uncertain significance (1 of 4 stars; one submission).

Conditions:
Arrhythmogenic right ventricular dysplasia 10. Also called: Arrhythmogenic Right Ventricular Dysplasia/Cardiomyopathy10; ARRHYTHMOGENIC RIGHT VENTRICULAR DYSPLASIA, FAMILIAL, 10; Arrhythmogenic right ventricular dysplasia/cardiomyopathy, type 10. Identifiers: MedGen C1857777, MONDO:0012434, OMIM 610193.

gnomAD v4.1: 1 of 1,614,208 alleles (0.000062%); highest among the groups gnomAD compares: Non-Finnish European, 0.000085%; no homozygotes.

Submission:

Labcorp Genetics (formerly Invitae), Labcorp
Classification: Uncertain significance for Arrhythmogenic right ventricular dysplasia 10. Last evaluated: 2025-08-03. Review status: criteria provided, single submitter. Criteria: Invitae Variant Classification Sherloc (09022015). Collection method: clinical testing. Allele origin: germline.
Comment: This sequence change replaces lysine, which is basic and polar, with glutamic acid, which is acidic and polar, at codon 892 of the DSG2 protein (p.Lys892Glu). This variant is not present in population databases (gnomAD no frequency). This variant has not been reported in the literature in individuals affected with DSG2-related conditions. Invitae Evidence Modeling of protein sequence and biophysical properties (such as structural, functional, and spatial information, amino acid conservation, physicochemical variation, residue mobility, and thermodynamic stability) indicates that this missense variant is not expected to disrupt DSG2 protein function with a negative predictive value of 95%. In summary, the available evidence is currently insufficient to determine the role of this variant in disease. Therefore, it has been classified as a Variant of Uncertain Significance.

NM_001943.5(DSG2):c.2674A>G (p.Lys892Glu)

Genes: DSG2 (desmoglein 2; plus strand), DSG2-AS1 (DSG2 antisense RNA 1; minus strand). Cytogenetic location: 18q12.1.
Variant type: single nucleotide variant.
Coding change: c.2674A>G on transcript NM_001943.5 (MANE Select); coding-DNA position 2674, A replaced by G.
Protein change: p.Lys892Glu; replaces lysine 892 with glutamic acid.
Molecular consequence: missense variant.
Genome position (GRCh38, 1-based): chr18:31,546,060, A>G. VCF-style: chr18-31546060-A-G. GRCh37 (hg19) VCF-style: chr18-29126023-A-G.
Other names: short protein forms K892E.
Identifiers: ClinVar variation 4770982 (VCV004770982.1).